The following is an entry in ClinVar:

ClinVar aggregate classification (germline): Conflicting classifications of pathogenicity. Review status: criteria provided, conflicting classifications (1 of 4 stars). 3 submissions from 3 submitters: Uncertain significance (2); Likely benign (1). Last evaluated 2024-10-23.

Conditions:
Immunodeficiency 51 (IMD51). Also called: CANDIDIASIS, FAMILIAL, 5. Identifiers: Orphanet 1334, MedGen C4310803, MONDO:0013500, OMIM 613953.

Allele frequency attached by ClinVar (database versions not stated): TOPMed 0.00008; 1000 Genomes Project 30x 0.00031; 1000 Genomes Project 0.00040.

Submissions (3):

Blueprint Genetics
Classification: Likely benign. Last evaluated: 2024-10-23. Review status: criteria provided, single submitter. Criteria: ACMG Guidelines, 2015. Collection method: clinical testing. Allele origin: germline.

Labcorp Genetics (formerly Invitae), Labcorp
Classification: Uncertain significance for Immunodeficiency 51. Last evaluated: 2022-11-01. Review status: criteria provided, single submitter. Criteria: Invitae Variant Classification Sherloc (09022015). Collection method: clinical testing. Allele origin: germline.
Comment: This sequence change affects codon 314 of the IL17RA mRNA. It is a 'silent' change, meaning that it does not change the encoded amino acid sequence of the IL17RA protein. It affects a nucleotide within the consensus splice site. This variant is present in population databases (rs41321447, gnomAD 0.1%). This variant has not been reported in the literature in individuals affected with IL17RA-related conditions. ClinVar contains an entry for this variant (Variation ID: 862306). Algorithms developed to predict the effect of sequence changes on RNA splicing suggest that this variant is not likely to affect RNA splicing. In summary, the available evidence is currently insufficient to determine the role of this variant in disease. Therefore, it has been classified as a Variant of Uncertain Significance.

Breakthrough Genomics
Classification: Uncertain significance. Review status: criteria provided, single submitter. Criteria: ACMG Guidelines, 2015. Collection method: not provided. Allele origin: germline. Inheritance: Autosomal dominant inheritance. Affected: yes.

NM_014339.7(IL17RA):c.942G>C (p.Pro314=)

Gene: IL17RA (interleukin 17 receptor A; plus strand). Cytogenetic location: 22q11.1.
Variant type: single nucleotide variant.
Coding change: c.942G>C on transcript NM_014339.7 (MANE Select); coding-DNA position 942, G replaced by C.
Protein change: p.Pro314=; no amino-acid change (proline 314 retained).
Molecular consequence: synonymous variant.
Genome position (GRCh38, 1-based): chr22:17,105,601, G>C. VCF-style: chr22-17105601-G-C. GRCh37 (hg19) VCF-style: chr22-17586491-G-C.
Other names: c.942G>C, p.Pro314= (NM_001289905.2).
Identifiers: ClinVar variation 862306 (VCV000862306.9), dbSNP rs41321447, ClinGen allele CA10086570.